The following is an entry in ClinVar:

NM_001270974.2(HYDIN):c.11617dup (p.Ser3873fs)

Gene: HYDIN (HYDIN axonemal central pair apparatus protein; minus strand). Cytogenetic location: 16q22.2.
Variant type: Duplication.
Coding change: c.11617dup on transcript NM_001270974.2 (MANE Select); coding-DNA position 11617, one base duplicated (A; older notation c.11617dupA).
Protein change: p.Ser3873fs; shifts the reading frame from serine 3873.
Molecular consequence: frameshift variant.
Genome position (GRCh38, 1-based): chr16:70,862,208, T duplicated on the plus strand (A on the coding strand, the reverse complement: HYDIN is on the minus strand). VCF-style (leftmost placement, unchanged base first): chr16-70862207-C-CT. GRCh37 (hg19) VCF-style: chr16-70896110-C-CT.
Other names: short protein forms S3873fs.
Identifiers: ClinVar variation 5003124 (VCV005003124.1).

ClinVar aggregate classification (germline): Likely pathogenic (1 of 4 stars; one submission).

Conditions:
Primary ciliary dyskinesia 5. Also called: CILIARY DYSKINESIA, PRIMARY, 5, WITHOUT SITUS INVERSUS. Identifiers: Orphanet 244, MedGen C1837615, MONDO:0012088, OMIM 608647.

Submission:

OLLIN Analises Genomicas, OLLIN
Classification: Likely pathogenic for Primary ciliary dyskinesia 5. Last evaluated: 2026-08-06. Review status: criteria provided, single submitter. Criteria: ACMG Guidelines 2015 PMID 25741868. Collection method: clinical testing. Allele origin: germline. Inheritance: Autosomal recessive inheritance.
Comment: This frameshift variant, located in exon 69 (of 86), is absent from gnomAD and ClinVar and has not been identified in the literature. This variant causes a frameshift and introduces a premature stop codon, which is predicted to result in either a truncated protein or degradation of the mRNA via nonsense-mediated decay (NMD). According to the currently available evidence, this variant has been classified as likely pathogenic (PVS1, PM2_P).